The following is an entry in ClinVar:

NM_000053.4(ATP7B):c.4158A>G (p.Ala1386=)

Gene: ATP7B (ATPase copper transporting beta; minus strand). Cytogenetic location: 13q14.3.
Variant type: single nucleotide variant.
Coding change: c.4158A>G on transcript NM_000053.4 (MANE Select); coding-DNA position 4158, A replaced by G.
Protein change: p.Ala1386=; no amino-acid change (alanine 1386 retained).
Molecular consequence: synonymous variant.
Genome position (GRCh38, 1-based): chr13:51,934,996, T>C on the plus strand (A>G on the coding strand, the complement: ATP7B is on the minus strand). VCF-style: chr13-51934996-T-C. GRCh37 (hg19) VCF-style: chr13-52509132-T-C.
Other names: c.3537A>G, p.Ala1179= (NM_001005918.3); c.3825A>G, p.Ala1275= (NM_001243182.2); c.3924A>G, p.Ala1308= (NM_001330578.2, NM_001406527.1, NM_001406528.1); c.3906A>G, p.Ala1302= (NM_001330579.2, NM_001406531.1, NM_001406532.1); c.4158A>G, p.Ala1386= (NM_001406511.1, NM_001406512.1); c.4152A>G, p.Ala1384= (NM_001406513.1); c.4125A>G, p.Ala1375= (NM_001406514.1); c.4104A>G, p.Ala1368= (NM_001406515.1, NM_001406516.1); and 21 more.
Identifiers: ClinVar variation 3387265 (VCV003387265.1).
Genomic context (GRCh38, chr13:51,934,996, plus strand): 5'-CATGCCTATGTGCACACTGACCTGGGATGCCGTCAGGGGCTTCATGTGGCCATGCGCCTG[T>C]GCCTCATACCTCTCCAGGTCAGGCTTCTTATAGCTGGAAAGCAGGAACGCAACAGCATCT-3'
Protein context (NP_000044.2, residues 1376-1396): YKKPDLERYE[Ala1386=]QAHGHMKPLT

ClinVar aggregate classification (germline): Likely benign (1 of 4 stars; one submission).

Conditions:
Wilson disease (WND). Also called: Wilson's disease. Identifiers: Orphanet 905, MedGen C0019202, MONDO:0010200, OMIM 277900. Disease mechanism: loss of function.

gnomAD v4.1: 3 of 1,614,040 alleles (0.00019%); highest among the groups gnomAD compares: Non-Finnish European, 0.00025%; no homozygotes.

Submission:

All of Us Research Program, National Institutes of Health
Classification: Likely benign for Wilson disease. Last evaluated: 2024-04-16. Review status: criteria provided, single submitter. Criteria: ACMG Guidelines, 2015. Collection method: clinical testing. Allele origin: germline. Inheritance: Autosomal recessive inheritance. Observed: 1 variant allele, 1 heterozygote.
Comment: This study involves interpretation of variants in research participants for the purpose of population health screening. Participant phenotype was not available at the time of variant classification. Additional details can be found in publication PMID: 35346344, PMCID: PMC8962531